The following is an entry in ClinVar:

ClinVar aggregate classification (germline): Pathogenic (1 of 4 stars; one submission).

Conditions:
HNF1B-related disorder. Also called: HNF1B-related condition; HNF1B-related disorders.

Submission:

PreventionGenetics, part of Exact Sciences
Classification: Pathogenic for HNF1B-related condition. Last evaluated: 2026-01-12. Review status: criteria provided, single submitter. Criteria: ACMG Guidelines, 2015. Collection method: clinical testing. Allele origin: germline.
Comment: The HNF1B c.1206+1G>T variant is predicted to disrupt the GT donor site and interfere with normal splicing. To our knowledge, this variant has not been reported in the literature or in a large population database (gnomAD), indicating this variant is rare. An alternate nucleotide change disrupting this splice donor site (c.1206+1G>C) has been reported in a stillborn infant with oligohydramnios and hyperechogenic kidneys (case 2, Duval et al. 2016. PubMed ID: 27297286). Variants that disrupt the consensus splice donor site in HNF1B are expected to be pathogenic. The c.1206+1G>T variant is interpreted as pathogenic.

NM_000458.4(HNF1B):c.1206+1G>T

Gene: HNF1B (HNF1 homeobox B; minus strand). Cytogenetic location: 17q12.
Variant type: single nucleotide variant.
Coding change: c.1206+1G>T on transcript NM_000458.4 (MANE Select); the canonical splice donor site of the intron after coding-DNA position 1206, G replaced by T.
Molecular consequence: splice donor variant.
Genome position (GRCh38, 1-based): chr17:37,710,502, C>A on the plus strand (G>T on the coding strand, the complement: HNF1B is on the minus strand). VCF-style: chr17-37710502-C-A. GRCh37 (hg19) VCF-style: chr17-36070510-C-A.
Other names: c.1128+1G>T (NM_001304286.2, NM_001165923.4); c.1206+1G>T (NM_001411100.1).
Identifiers: ClinVar variation 4996703 (VCV004996703.1).